The following is an entry in ClinVar:

ClinVar aggregate classification (germline): Likely benign. Review status: criteria provided, single submitter (1 of 4 stars). 2 submissions from 2 submitters: Likely benign (1). 1 of the submissions does not count toward it. Last evaluated 2025-06-10.

Conditions:
C12orf57-related disorder. Also called: C12orf57-related condition.
Temtamy syndrome (TEMTYS). Also called: MENTAL RETARDATION WITH OR WITHOUT CRANIOFACIAL DYSMORPHISM, OCULAR COLOBOMA, OR ABNORMAL CORPUS CALLOSUM. Identifiers: Orphanet 1777, MedGen C1857512, MONDO:0009033, OMIM 218340.

Allele frequency attached by ClinVar (database versions not stated): TOPMed 0.00002.
gnomAD v4.1: 95 of 1,614,136 alleles (0.0059%); highest among the groups gnomAD compares: Middle Eastern, 0.016%; no homozygotes.

Submissions (2):

Labcorp Genetics (formerly Invitae), Labcorp
Classification: Likely benign for Temtamy syndrome. Last evaluated: 2025-06-10. Review status: criteria provided, single submitter. Criteria: Invitae Variant Classification Sherloc (09022015). Collection method: clinical testing. Allele origin: germline.

PreventionGenetics, part of Exact Sciences
Classification: Likely benign for C12orf57-related condition. Last evaluated: 2023-02-16. Review status: no assertion criteria provided. Collection method: clinical testing. Allele origin: germline. Not counted in ClinVar's aggregate classification.
Comment: This variant is classified as likely benign based on ACMG/AMP sequence variant interpretation guidelines (Richards et al. 2015 PMID: 25741868, with internal and published modifications).

NM_138425.4(C12orf57):c.12C>T (p.Ala4=)

Gene: C12orf57 (chromosome 12 open reading frame 57; plus strand). Cytogenetic location: 12p13.31.
Variant type: single nucleotide variant.
Coding change: c.12C>T on transcript NM_138425.4 (MANE Select); coding-DNA position 12, C replaced by T.
Protein change: p.Ala4=; no amino-acid change (alanine 4 retained).
Molecular consequence: synonymous variant. On other transcripts: 5 prime UTR variant (1), non-coding transcript variant (1), intron variant (1).
Genome position (GRCh38, 1-based): chr12:6,944,133, C>T. VCF-style: chr12-6944133-C-T. GRCh37 (hg19) VCF-style: chr12-7053296-C-T.
Other names: c.12C>T, p.Ala4= (NM_001301834.1, NM_001301837.2); c.-190C>T (NM_001301838.2); c.14-343C>T (NM_001301836.2).
Identifiers: ClinVar variation 729903 (VCV000729903.12), dbSNP rs747313284, ClinGen allele CA232436474.